The following is an entry in ClinVar:

ClinVar aggregate classification (germline): Uncertain significance. Review status: criteria provided, multiple submitters, no conflicts (2 of 4 stars). 2 submissions from 2 submitters: Uncertain significance (2). Last evaluated 2020-11-16.

Conditions:
Focal segmental glomerulosclerosis 5 (FSGS5). Identifiers: Orphanet 656, MedGen C2750475, MONDO:0013191, OMIM 613237.
Charcot-Marie-Tooth disease dominant intermediate E. Also called: CHARCOT-MARIE-TOOTH NEUROPATHY WITH FOCAL SEGMENTAL GLOMERULONEPHRITIS. Identifiers: Orphanet 93114, MedGen C4302667, MONDO:0013758, OMIM 614455.

Submissions (2):

Labcorp Genetics (formerly Invitae), Labcorp
Classification: Uncertain significance for Charcot-Marie-Tooth disease dominant intermediate E; Focal segmental glomerulosclerosis 5. Last evaluated: 2020-11-16. Review status: criteria provided, single submitter. Criteria: Invitae Variant Classification Sherloc (09022015). Collection method: clinical testing. Allele origin: germline.
Comment: This sequence change replaces glycine with valine at codon 86 of the INF2 protein (p.Gly86Val). The glycine residue is highly conserved and there is a moderate physicochemical difference between glycine and valine. This variant is not present in population databases (ExAC no frequency). This variant has not been reported in the literature in individuals with INF2-related conditions. ClinVar contains an entry for this variant (Variation ID: 618181). Algorithms developed to predict the effect of missense changes on protein structure and function are either unavailable or do not agree on the potential impact of this missense change (SIFT: "Deleterious"; PolyPhen-2: "Probably Damaging"; Align-GVGD: "Class C0"). Algorithms developed to predict the effect of sequence changes on RNA splicing suggest that this variant may create or strengthen a splice site, but this prediction has not been confirmed by published transcriptional studies. In summary, the available evidence is currently insufficient to determine the role of this variant in disease. Therefore, it has been classified as a Variant of Uncertain Significance.

ARUP Laboratories, Molecular Genetics and Genomics, ARUP Laboratories
Classification: Uncertain significance. Last evaluated: 2018-05-08. Review status: criteria provided, single submitter. Criteria: ARUP Molecular Germline Variant Investigation Process. Collection method: clinical testing. Allele origin: germline.
Comment: The p.Gly86Val variant has not been reported in the medical literature, gene specific variation databases, nor has it been previously identified by our laboratory. It is absent from general population databases such as 1000 Genomes, NHLBI GO Exome Sequencing Project (ESP), and the Genome Aggregation Database (gnomAD). The glycine at position 86 is highly conserved up to tetraodon considering 12 species (Alamut v2.11) and computational analyses of the effects of the p.Gly86Val variant on protein structure and function provide conflicting results (SIFT: tolerated, PolyPhen-2: probably damaging). Altogether, there is not enough evidence to classify the p.Gly86Val variant with certainty.

NM_022489.4(INF2):c.257G>T (p.Gly86Val)

Gene: INF2 (inverted formin 2; plus strand). Cytogenetic location: 14q32.33.
Variant type: single nucleotide variant.
Coding change: c.257G>T on transcript NM_022489.4 (MANE Select); coding-DNA position 257, G replaced by T.
Protein change: p.Gly86Val; replaces glycine 86 with valine.
Molecular consequence: missense variant.
Genome position (GRCh38, 1-based): chr14:104,701,622, G>T. VCF-style: chr14-104701622-G-T. GRCh37 (hg19) VCF-style: chr14-105167959-G-T.
Other names: c.257G>T, p.Gly86Val (NM_001031714.4, NM_032714.3); short protein forms G86V.
Identifiers: ClinVar variation 618181 (VCV000618181.16), dbSNP rs1566777637, ClinGen allele CA391225659.
Genomic context (GRCh38, chr14:104,701,622, plus strand): 5'-TGCAGTTCCTGGAGCAGAGCGGCCTGGACCTGCTGCTGGAGGCGCTGGCGCGGCTGTCGG[G>T]CCGCGGCGTTGCACGTATCTCCGACGCCCTGCTGCAGCTCACCTGCGTCAGCTGCGTGCG-3'
Protein context (NP_071934.3, residues 76-96): LLLEALARLS[Gly86Val]RGVARISDAL